The following is an entry in ClinVar:

ClinVar aggregate classification (germline): Uncertain significance (1 of 4 stars; one submission).

Conditions:
Immunodeficiency, common variable, 10. Also called: IMMUNODEFICIENCY, COMMON VARIABLE, WITH CENTRAL ADRENAL INSUFFICIENCY; DEFICIT IN ANTERIOR PITUITARY FUNCTION AND VARIABLE IMMUNODEFICIENCY. Identifiers: MedGen C3809991, MONDO:0014260, OMIM 615577.

Submission:

Labcorp Genetics (formerly Invitae), Labcorp
Classification: Uncertain significance for Immunodeficiency, common variable, 10. Last evaluated: 2022-10-26. Review status: criteria provided, single submitter. Criteria: Invitae Variant Classification Sherloc (09022015). Collection method: clinical testing. Allele origin: germline.
Comment: This sequence change replaces glycine, which is neutral and non-polar, with glutamic acid, which is acidic and polar, at codon 600 of the NFKB2 protein (p.Gly600Glu). This variant is not present in population databases (gnomAD no frequency). This variant has not been reported in the literature in individuals affected with NFKB2-related conditions. Algorithms developed to predict the effect of missense changes on protein structure and function are either unavailable or do not agree on the potential impact of this missense change (SIFT: "Deleterious"; PolyPhen-2: "Probably Damaging"; Align-GVGD: "Class C0"). In summary, the available evidence is currently insufficient to determine the role of this variant in disease. Therefore, it has been classified as a Variant of Uncertain Significance.

NM_001322934.2(NFKB2):c.1799G>A (p.Gly600Glu)

Gene: NFKB2 (nuclear factor kappa B subunit 2; plus strand). Cytogenetic location: 10q24.32.
Variant type: single nucleotide variant.
Coding change: c.1799G>A on transcript NM_001322934.2 (MANE Select); coding-DNA position 1799, G replaced by A.
Protein change: p.Gly600Glu; replaces glycine 600 with glutamic acid.
Molecular consequence: missense variant.
Genome position (GRCh38, 1-based): chr10:102,400,655, G>A. VCF-style: chr10-102400655-G-A. GRCh37 (hg19) VCF-style: chr10-104160412-G-A.
Other names: c.1799G>A, p.Gly600Glu (NM_001077493.1, NM_001077494.3, NM_001261403.3 and 2 more transcripts); c.1673G>A, p.Gly558Glu (NM_001322935.1); short protein forms G558E, G600E.
Identifiers: ClinVar variation 2809802 (VCV002809802.3), dbSNP rs2135438348, ClinGen allele CA377902441.